The following is an entry in ClinVar:

NM_003079.5(SMARCE1):c.767A>G (p.Lys256Arg)

Gene: SMARCE1 (SWI/SNF related BAF chromatin remodeling complex subunit E1; minus strand). Cytogenetic location: 17q21.2.
Variant type: single nucleotide variant.
Coding change: c.767A>G on transcript NM_003079.5 (MANE Select); coding-DNA position 767, A replaced by G.
Protein change: p.Lys256Arg; replaces lysine 256 with arginine.
Molecular consequence: missense variant.
Genome position (GRCh38, 1-based): chr17:40,631,641, T>C on the plus strand (A>G on the coding strand, the complement: SMARCE1 is on the minus strand). VCF-style: chr17-40631641-T-C. GRCh37 (hg19) VCF-style: chr17-38787893-T-C.
Other names: short protein forms K256R.
Identifiers: ClinVar variation 407070 (VCV000407070.19), dbSNP rs542193901, ClinGen allele CA8545173.

ClinVar aggregate classification (germline): Conflicting classifications of pathogenicity. Review status: criteria provided, conflicting classifications (1 of 4 stars). 6 submissions from 6 submitters: Uncertain significance (5); Likely benign (1). Last evaluated 2025-11-03.

Conditions:
Familial meningioma. Also called: Meningioma, familial, susceptibility to. Identifiers: Orphanet 263662, MedGen C3551915, MONDO:0011789, OMIM 607174.
Coffin-Siris syndrome 5 (CSS5). Identifiers: Orphanet 1465, MedGen C4310788, MONDO:0014838, OMIM 616938.
SMARCE1-related disorder. Also called: SMARCE1-related condition.
Hereditary cancer-predisposing syndrome. Also called: Hereditary Cancer Syndrome; Hereditary neoplastic syndrome; Neoplastic Syndromes, Hereditary; Tumor predisposition. Identifiers: Orphanet 140162, MedGen C0027672, MeSH D009386, MONDO:0015356.

Allele frequency attached by ClinVar (database versions not stated): ExAC 0.00002; gnomAD exomes 0.00002; gnomAD 0.00010; 1000 Genomes Project 30x 0.00016; 1000 Genomes Project 0.00020.
gnomAD v4.1: 28 of 1,611,522 alleles (0.0017%); highest among the groups gnomAD compares: Middle Eastern, 0.033%; no homozygotes.

Submissions (6):

Labcorp Genetics (formerly Invitae), Labcorp
Classification: Uncertain significance for Familial meningioma. Last evaluated: 2025-11-03. Review status: criteria provided, single submitter. Criteria: Invitae Variant Classification Sherloc (09022015). Collection method: clinical testing. Allele origin: germline.
Comment: This sequence change replaces lysine, which is basic and polar, with arginine, which is basic and polar, at codon 256 of the SMARCE1 protein (p.Lys256Arg). This variant is present in population databases (rs542193901, gnomAD 0.006%). This missense change has been observed in individual(s) with neurodevelopmental disorder (PMID: 37500730). ClinVar contains an entry for this variant (Variation ID: 407070). Invitae Evidence Modeling of protein sequence and biophysical properties (such as structural, functional, and spatial information, amino acid conservation, physicochemical variation, residue mobility, and thermodynamic stability) indicates that this missense variant is expected to disrupt SMARCE1 protein function with a positive predictive value of 80%. In summary, the available evidence is currently insufficient to determine the role of this variant in disease. Therefore, it has been classified as a Variant of Uncertain Significance.

GeneDx
Classification: Uncertain significance. Last evaluated: 2024-06-11. Review status: criteria provided, single submitter. Criteria: GeneDx Variant Classification Process June 2021. Collection method: clinical testing. Allele origin: germline. Affected: yes.
Comment: In silico analysis supports that this missense variant has a deleterious effect on protein structure/function; Has not been previously published as pathogenic or benign to our knowledge; This variant is associated with the following publications: (PMID: 9435219)

Baylor Genetics
Classification: Uncertain significance for Familial meningioma. Last evaluated: 2024-03-26. Review status: criteria provided, single submitter. Criteria: ACMG Guidelines, 2015. Collection method: clinical testing. Allele origin: unknown.

Ambry Genetics
Classification: Likely benign for Hereditary cancer-predisposing syndrome. Last evaluated: 2023-06-28. Review status: criteria provided, single submitter. Criteria: Ambry Variant Classification Scheme 2023. Collection method: clinical testing. Allele origin: germline.

PreventionGenetics, part of Exact Sciences
Classification: Uncertain significance for SMARCE1-related condition. Last evaluated: 2023-04-19. Review status: criteria provided, single submitter. Criteria: ACMG Guidelines, 2015. Collection method: clinical testing. Allele origin: germline.
Comment: The SMARCE1 c.767A>G variant is predicted to result in the amino acid substitution p.Lys256Arg. To our knowledge, this variant has not been reported in the literature. This variant is reported in 0.0054% of alleles in individuals of European (Non-Finnish) descent in gnomAD. At this time, the clinical significance of this variant is uncertain due to the absence of conclusive functional and genetic evidence.

Fulgent Genetics
Classification: Uncertain significance for Familial meningioma; Coffin-Siris syndrome 5. Last evaluated: 2018-10-31. Review status: criteria provided, single submitter. Criteria: ACMG Guidelines, 2015. Collection method: clinical testing. Allele origin: unknown.

Literature cited by the submitters: PubMed 37500730 (cited by Labcorp Genetics (formerly Invitae), Labcorp).